The following is an entry in ClinVar:

ClinVar aggregate classification (germline): Uncertain significance. Review status: criteria provided, multiple submitters, no conflicts (2 of 4 stars). 3 submissions from 3 submitters: Uncertain significance (3). Last evaluated 2024-03-07.

Conditions:
Catecholaminergic polymorphic ventricular tachycardia 1. Also called: VENTRICULAR TACHYCARDIA, CATECHOLAMINERGIC POLYMORPHIC, 1, WITH OR WITHOUT ATRIAL DYSFUNCTION AND/OR DILATED CARDIOMYOPATHY; RYR2-Related Catecholaminergic Polymorphic Ventricular Tachycardia; VENTRICULAR TACHYCARDIA, STRESS-INDUCED POLYMORPHIC 1. Identifiers: Orphanet 3286, MedGen C1631597, MONDO:0011484, OMIM 604772.
Cardiomyopathy (CMYO). Also called: Cardiomyopathies. Identifiers: Orphanet 167848, MedGen C0878544, MONDO:0004994, HP:0001638. Inheritance: Various modes of inheritance.

Submissions (3):

Color Diagnostics, LLC DBA Color Health
Classification: Uncertain significance for Cardiomyopathy. Last evaluated: 2024-03-07. Review status: criteria provided, single submitter. Criteria: ACMG Guidelines, 2015. Collection method: clinical testing. Allele origin: germline.
Comment: This missense variant replaces threonine with alanine at codon 1466 of the RYR2 protein. Computational prediction suggests that this variant may not impact protein structure and function (internally defined REVEL score threshold <= 0.5, PMID: 27666373). Splice site prediction tools suggest that this variant may not impact RNA splicing. To our knowledge, functional studies have not been performed for this variant. This variant has not been reported in individuals affected with cardiovascular disorders in the literature. This variant has not been identified in the general population by the Genome Aggregation Database (gnomAD). The available evidence is insufficient to determine the role of this variant in disease conclusively. Therefore, this variant is classified as a Variant of Uncertain Significance.

Labcorp Genetics (formerly Invitae), Labcorp
Classification: Uncertain significance for Catecholaminergic polymorphic ventricular tachycardia 1. Last evaluated: 2021-12-02. Review status: criteria provided, single submitter. Criteria: Invitae Variant Classification Sherloc (09022015). Collection method: clinical testing. Allele origin: germline.
Comment: This sequence change replaces threonine, which is neutral and polar, with alanine, which is neutral and non-polar, at codon 1466 of the RYR2 protein (p.Thr1466Ala). This variant is not present in population databases (gnomAD no frequency). This variant has not been reported in the literature in individuals affected with RYR2-related conditions. ClinVar contains an entry for this variant (Variation ID: 921392). Advanced modeling of protein sequence and biophysical properties (such as structural, functional, and spatial information, amino acid conservation, physicochemical variation, residue mobility, and thermodynamic stability) performed at Invitae indicates that this missense variant is not expected to disrupt RYR2 protein function. In summary, the available evidence is currently insufficient to determine the role of this variant in disease. Therefore, it has been classified as a Variant of Uncertain Significance.

GeneDx
Classification: Uncertain significance. Last evaluated: 2019-09-09. Review status: criteria provided, single submitter. Criteria: GeneDx Variant Classification Process June 2021. Collection method: clinical testing. Allele origin: germline. Affected: yes.
Comment: Has not been previously published as pathogenic or benign to our knowledge; Not observed in large population cohorts (Lek et al., 2016); In silico analysis, which includes protein predictors and evolutionary conservation, supports a deleterious effect

NM_001035.3(RYR2):c.4396A>G (p.Thr1466Ala)

Gene: RYR2 (ryanodine receptor 2; plus strand). Cytogenetic location: 1q43.
Variant type: single nucleotide variant.
Coding change: c.4396A>G on transcript NM_001035.3 (MANE Select); coding-DNA position 4396, A replaced by G.
Protein change: p.Thr1466Ala; replaces threonine 1466 with alanine.
Molecular consequence: missense variant.
Genome position (GRCh38, 1-based): chr1:237,593,596, A>G. VCF-style: chr1-237593596-A-G. GRCh37 (hg19) VCF-style: chr1-237756896-A-G.
Other names: c.4396A>G (NM_001035.2); short protein forms T1466A.
Identifiers: ClinVar variation 921392 (VCV000921392.10), dbSNP rs1675479559, ClinGen allele CA345399937.